The following is an entry in ClinVar:

NM_006662.3(SRCAP):c.5861C>T (p.Ala1954Val)

Gene: SRCAP (Snf2 related CREBBP activator protein; plus strand). Cytogenetic location: 16p11.2.
Variant type: single nucleotide variant.
Coding change: c.5861C>T on transcript NM_006662.3 (MANE Select); coding-DNA position 5861, C replaced by T.
Protein change: p.Ala1954Val; replaces alanine 1954 with valine.
Molecular consequence: missense variant.
Genome position (GRCh38, 1-based): chr16:30,729,168, C>T. VCF-style: chr16-30729168-C-T. GRCh37 (hg19) VCF-style: chr16-30740489-C-T.
Other names: short protein forms A1954V.
Identifiers: ClinVar variation 2495962 (VCV002495962.3), dbSNP rs2506697756, ClinGen allele CA395621492.

ClinVar aggregate classification (germline): Uncertain significance (1 of 4 stars; one submission).

Conditions:
Inborn genetic diseases. Identifiers: MedGen C0950123, MeSH D030342.

Allele frequency attached by ClinVar (database versions not stated): gnomAD exomes below 0.00001.
gnomAD v4.1: 7 of 1,614,078 alleles (0.00043%); highest among the groups gnomAD compares: Non-Finnish European, 0.00059%; no homozygotes.

Submission:

Ambry Genetics
Classification: Uncertain significance for Inborn genetic diseases. Last evaluated: 2023-04-26. Review status: criteria provided, single submitter. Criteria: Ambry Variant Classification Scheme 2023. Collection method: clinical testing. Allele origin: germline.
Comment: The c.5861C>T (p.A1954V) alteration is located in exon 26 (coding exon 24) of the SRCAP gene. This alteration results from a C to T substitution at nucleotide position 5861, causing the alanine (A) at amino acid position 1954 to be replaced by a valine (V). This variant was not reported in population-based cohorts in the Genome Aggregation Database (gnomAD). This amino acid position is highly conserved in available mammalian species. This alteration is predicted to be tolerated by in silico analysis. Based on insufficient or conflicting evidence, the clinical significance of this alteration remains unclear.